The following is an entry in ClinVar:

ClinVar aggregate classification (germline): Uncertain significance (1 of 4 stars; one submission).

Conditions:
Congenital contractural arachnodactyly (CCA). Also called: BEALS SYNDROME; Beals-Hecht syndrome; Arthrogryposis, distal, type 9. Identifiers: Orphanet 115, MedGen C0220668, MONDO:0007363, OMIM 121050.

Submission:

Labcorp Genetics (formerly Invitae), Labcorp
Classification: Uncertain significance for Congenital contractural arachnodactyly. Last evaluated: 2024-04-29. Review status: criteria provided, single submitter. Criteria: Invitae Variant Classification Sherloc (09022015). Collection method: clinical testing. Allele origin: germline.
Comment: This sequence change replaces isoleucine, which is neutral and non-polar, with methionine, which is neutral and non-polar, at codon 426 of the FBN2 protein (p.Ile426Met). This variant is not present in population databases (gnomAD no frequency). This variant has not been reported in the literature in individuals affected with FBN2-related conditions. ClinVar contains an entry for this variant (Variation ID: 950043). Advanced modeling of protein sequence and biophysical properties (such as structural, functional, and spatial information, amino acid conservation, physicochemical variation, residue mobility, and thermodynamic stability) performed at Invitae indicates that this missense variant is not expected to disrupt FBN2 protein function with a negative predictive value of 80%. In summary, the available evidence is currently insufficient to determine the role of this variant in disease. Therefore, it has been classified as a Variant of Uncertain Significance.

NM_001999.4(FBN2):c.1278T>G (p.Ile426Met)

Gene: FBN2 (fibrillin 2; minus strand). Cytogenetic location: 5q23.3.
Variant type: single nucleotide variant.
Coding change: c.1278T>G on transcript NM_001999.4 (MANE Select); coding-DNA position 1278, T replaced by G.
Protein change: p.Ile426Met; replaces isoleucine 426 with methionine.
Molecular consequence: missense variant.
Genome position (GRCh38, 1-based): chr5:128,393,322, A>C on the plus strand (T>G on the coding strand, the complement: FBN2 is on the minus strand). VCF-style: chr5-128393322-A-C. GRCh37 (hg19) VCF-style: chr5-127729015-A-C.
Other names: short protein forms I426M.
Identifiers: ClinVar variation 950043 (VCV000950043.10), dbSNP rs1752569770, ClinGen allele CA360749924.